The following is an entry in ClinVar:

NM_014283.5(SUCO):c.2878A>C (p.Lys960Gln)

Gene: SUCO (SUN domain containing ossification factor; plus strand). Cytogenetic location: 1q24.3.
Variant type: single nucleotide variant.
Coding change: c.2878A>C on transcript NM_014283.5 (MANE Select); coding-DNA position 2878, A replaced by C.
Protein change: p.Lys960Gln; replaces lysine 960 with glutamine.
Molecular consequence: missense variant.
Genome position (GRCh38, 1-based): chr1:172,591,036, A>C. VCF-style: chr1-172591036-A-C. GRCh37 (hg19) VCF-style: chr1-172560176-A-C.
Other names: c.1765A>C, p.Lys589Gln (NM_001282750.2); c.1189A>C, p.Lys397Gln (NM_001282751.2); c.3331A>C, p.Lys1111Gln (NM_016227.4); short protein forms K397Q, K1111Q, K589Q, K960Q.
Identifiers: ClinVar variation 1376710 (VCV001376710.8), dbSNP rs370504952, ClinGen allele CA1247160.
Genomic context (GRCh38, chr1:172,591,036, plus strand): 5'-CTTCATAGGTACCGAAAACAAATGGAAGAAATGCAAAAGGCTTTCAATAAAACAATCGTG[A>C]AACTTCAGAATACTTCAAGAATAGCAGAGGAGCAGGTTGGTTTCTACATCCCTTATTTAC-3'
Protein context (NP_055098.1, residues 950-970): MQKAFNKTIV[Lys960Gln]LQNTSRIAEE

ClinVar aggregate classification (germline): Uncertain significance (1 of 4 stars; one submission).

Allele frequency attached by ClinVar (database versions not stated): ExAC 0.00007; gnomAD exomes 0.00007; ESP Exome Variant Server 0.00015; gnomAD 0.00015 and 0.00017; TOPMed 0.00022.
gnomAD v4.1: 83 of 1,612,430 alleles (0.0051%); highest among the groups gnomAD compares: African/African-American, 0.049%; no homozygotes.

Submission:

Labcorp Genetics (formerly Invitae), Labcorp
Classification: Uncertain significance. Last evaluated: 2025-07-10. Review status: criteria provided, single submitter. Criteria: Invitae Variant Classification Sherloc (09022015). Collection method: clinical testing. Allele origin: germline.
Comment: This sequence change replaces lysine, which is basic and polar, with glutamine, which is neutral and polar, at codon 960 of the SUCO protein (p.Lys960Gln). This variant is present in population databases (rs370504952, gnomAD 0.05%). This variant has not been reported in the literature in individuals affected with SUCO-related conditions. ClinVar contains an entry for this variant (Variation ID: 1376710). An algorithm developed to predict the effect of missense changes on protein structure and function (PolyPhen-2) suggests that this variant is likely to be disruptive. In summary, the available evidence is currently insufficient to determine the role of this variant in disease. Therefore, it has been classified as a Variant of Uncertain Significance.